The following is an entry in ClinVar:

NM_033310.3(KCNK4):c.527T>C (p.Leu176Pro)

Genes: KCNK4 (potassium two pore domain channel subfamily K member 4; plus strand), KCNK4-CATSPERZ (KCNK4-CATSPERZ readthrough (NMD candidate); plus strand). Cytogenetic location: 11q13.1.
Variant type: single nucleotide variant.
Coding change: c.527T>C on transcript NM_033310.3 (MANE Select); coding-DNA position 527, T replaced by C.
Protein change: p.Leu176Pro; replaces leucine 176 with proline.
Molecular consequence: missense variant. On other transcripts: non-coding transcript variant (1).
Genome position (GRCh38, 1-based): chr11:64,297,519, T>C. VCF-style: chr11-64297519-T-C. GRCh37 (hg19) VCF-style: chr11-64064991-T-C.
Other names: c.527T>C (NM_033310.2); c.527T>C, p.Leu176Pro (NM_001317090.2); short protein forms L176P.
Identifiers: ClinVar variation 1436805 (VCV001436805.9), dbSNP rs2135232415, ClinGen allele CA381165791.

ClinVar aggregate classification (germline): Uncertain significance. Review status: criteria provided, multiple submitters, no conflicts (2 of 4 stars). 2 submissions from 2 submitters: Uncertain significance (2). Last evaluated 2023-12-07.

Submissions (2):

GeneDx
Classification: Uncertain significance. Last evaluated: 2023-12-07. Review status: criteria provided, single submitter. Criteria: GeneDx Variant Classification Process June 2021. Collection method: clinical testing. Allele origin: germline. Affected: yes.
Comment: Not observed at significant frequency in large population cohorts (gnomAD); In silico analysis supports that this missense variant has a deleterious effect on protein structure/function; Has not been previously published as pathogenic or benign to our knowledge

Labcorp Genetics (formerly Invitae), Labcorp
Classification: Uncertain significance. Last evaluated: 2022-06-13. Review status: criteria provided, single submitter. Criteria: Invitae Variant Classification Sherloc (09022015). Collection method: clinical testing. Allele origin: germline.
Comment: In summary, the available evidence is currently insufficient to determine the role of this variant in disease. Therefore, it has been classified as a Variant of Uncertain Significance. Algorithms developed to predict the effect of missense changes on protein structure and function are either unavailable or do not agree on the potential impact of this missense change (SIFT: "Not Available"; PolyPhen-2: "Probably Damaging"; Align-GVGD: "Not Available"). This variant has not been reported in the literature in individuals affected with KCNK4-related conditions. This variant is not present in population databases (gnomAD no frequency). This sequence change replaces leucine, which is neutral and non-polar, with proline, which is neutral and non-polar, at codon 176 of the KCNK4 protein (p.Leu176Pro).